The following is an entry in ClinVar:

ClinVar aggregate classification (germline): Uncertain significance (1 of 4 stars; one submission).

Conditions:
VPS13B-related disorder. Also called: VPS13B-related condition.

gnomAD v4.1: 1 of 1,614,208 alleles (0.000062%); highest among the groups gnomAD compares: African/African-American, 0.0013%; no homozygotes.

Submission:

PreventionGenetics, part of Exact Sciences
Classification: Uncertain significance for VPS13B-related condition. Last evaluated: 2025-09-19. Review status: criteria provided, single submitter. Criteria: ACMG Guidelines, 2015. Collection method: clinical testing. Allele origin: germline.
Comment: The VPS13B c.10096A>G variant is predicted to result in the amino acid substitution p.Ile3366Val. To our knowledge, this variant has not been reported in the literature or in a large population database (gnomAD), indicating this variant is rare. At this time, the clinical significance of this variant is uncertain due to the absence of conclusive functional and genetic evidence.

NM_152564.5(VPS13B):c.10096A>G (p.Ile3366Val)

Gene: VPS13B (vacuolar protein sorting 13 homolog B; plus strand). Cytogenetic location: 8q22.2.
Variant type: single nucleotide variant.
Coding change: c.10096A>G on transcript NM_152564.5 (MANE Select); coding-DNA position 10096, A replaced by G.
Protein change: p.Ile3366Val; replaces isoleucine 3366 with valine.
Molecular consequence: missense variant.
Genome position (GRCh38, 1-based): chr8:99,853,485, A>G. VCF-style: chr8-99853485-A-G. GRCh37 (hg19) VCF-style: chr8-100865713-A-G.
Other names: c.10171A>G, p.Ile3391Val (NM_017890.5); short protein forms I3366V, I3391V.
Identifiers: ClinVar variation 4980093 (VCV004980093.1).